The following is an entry in ClinVar:

NM_002225.5(IVD):c.1174C>T (p.Arg392Cys)

Gene: IVD (isovaleryl-CoA dehydrogenase; plus strand). Cytogenetic location: 15q15.1.
Variant type: single nucleotide variant.
Coding change: c.1174C>T on transcript NM_002225.5 (MANE Select); coding-DNA position 1174, C replaced by T.
Protein change: p.Arg392Cys; replaces arginine 392 with cysteine.
Molecular consequence: missense variant. On other transcripts: intron variant (3).
Genome position (GRCh38, 1-based): chr15:40,418,165, C>T. VCF-style: chr15-40418165-C-T. GRCh37 (hg19) VCF-style: chr15-40710364-C-T.
Other names: c.1084C>T, p.Arg362Cys (NM_001159508.3); c.1126C>T, p.Arg376Cys (NM_001354597.3); c.1261C>T, p.Arg421Cys (NM_001354599.3); c.1225+1803C>T (NM_001354600.3); c.1138+1803C>T (NM_001354598.3, NM_001354601.3); short protein forms R392C, R362C, R421C, R376C.
Identifiers: ClinVar variation 265202 (VCV000265202.55), dbSNP rs371427844, ClinGen allele CA10588582.

ClinVar aggregate classification (germline): Pathogenic/Likely pathogenic. Review status: criteria provided, multiple submitters, no conflicts (2 of 4 stars). 7 submissions from 7 submitters: Pathogenic (6); Likely pathogenic (1). Last evaluated 2026-01-25.

Conditions:
Isovaleryl-CoA dehydrogenase deficiency (IVA). Also called: ISOVALERIC ACID CoA DEHYDROGENASE DEFICIENCY; IVD DEFICIENCY; Isovaleric acidemia; Classic Isovaleric Acidemia. Identifiers: Orphanet 33, MedGen C0268575, MONDO:0009475, OMIM 243500.

Allele frequency attached by ClinVar (database versions not stated): gnomAD exomes below 0.00001; TOPMed 0.00002; gnomAD 0.00003 and 0.00004; ESP Exome Variant Server 0.00008.

Submissions (7):

Labcorp Genetics (formerly Invitae), Labcorp
Classification: Pathogenic for Isovaleryl-CoA dehydrogenase deficiency. Last evaluated: 2026-01-25. Review status: criteria provided, single submitter. Criteria: Invitae Variant Classification Sherloc (09022015). Collection method: clinical testing. Allele origin: germline.
Comment: This sequence change replaces arginine, which is basic and polar, with cysteine, which is neutral and slightly polar, at codon 395 of the IVD protein (p.Arg395Cys). This variant is present in population databases (rs371427844, gnomAD 0.007%). This missense change has been observed in individuals with isovaleric acidemia (PMID: 9665741, 17027310, 25220015, 26018748). This variant is also known as 1174 C>T (Arg363Cys). ClinVar contains an entry for this variant (Variation ID: 265202). An algorithm developed to predict the effect of missense changes on protein structure and function (PolyPhen-2) suggests that this variant is likely to be disruptive. Experimental studies have shown that this missense change affects IVD function (PMID: 9665741). This variant disrupts the p.Arg395 amino acid residue in IVD. Other variant(s) that disrupt this residue have been determined to be pathogenic (PMID: 22960500, 25220015, 27904153). This suggests that this residue is clinically significant, and that variants that disrupt this residue are likely to be disease-causing. For these reasons, this variant has been classified as Pathogenic.

Natera, Inc.
Classification: Pathogenic for Isovaleryl-coa dehydrogenase deficiency. Last evaluated: 2025-08-21. Review status: criteria provided, single submitter. Criteria: Natera Variant Classification Schema (03/2026). Collection method: clinical testing. Allele origin: germline.
Comment: The c.1183C>T variant in IVD is a missense variant predicted to cause substitution of arginine to cysteine at amino acid 395. This variant is rare in the general population with a frequency below the threshold expected for the associated phenotype(s). This variant has been observed in one or more individuals affected with the associated recessive disease, as either homozygous or compound heterozygous with a second variant (PMID: 31442447, 34671977). Functional studies show that this variant may disrupt protein function (PMID: 9665741). A different variant at the same position has been determined to be Pathogenic or Likely Pathogenic. Computational prediction algorithms indicate this variant is likely to affect gene or protein function. Given the available evidence, this variant is classified as Pathogenic.

Dasa
Classification: Pathogenic. Last evaluated: 2024-10-17. Review status: criteria provided, single submitter. Criteria: DASA Assertion Criteria. Collection method: clinical testing. Allele origin: germline.
Comment: NM_002225.5(IVD):c.1174C>T (p.Arg392Cys) is a missense variant that results in the substitution of arginine with cysteine. The affected residue or protein region has prior evidence supporting clinical relevance. This variant has been observed in affected individuals with related phenotype in a genotype context consistent with recessive disease (PMID: 9665741; PMID: 17027310; PMID: 25220015; PMID: 26018748). Functional evidence supports a deleterious effect on the gene or gene product (PMID: 9665741; PMID: 17027310; PMID: 25220015; PMID: 26018748). This variant has been recurrently observed in individuals with related phenotype (PMID: 9665741; PMID: 17027310; PMID: 25220015; PMID: 26018748). The variant is present at low frequency in population datasets. Based on the available data, this variant is classified as pathogenic.

Fulgent Genetics
Classification: Likely pathogenic for Isovaleryl-CoA dehydrogenase deficiency. Last evaluated: 2023-12-20. Review status: criteria provided, single submitter. Criteria: ACMG Guidelines, 2015. Collection method: clinical testing. Allele origin: germline.

CeGaT Center for Human Genetics Tuebingen
Classification: Pathogenic. Last evaluated: 2019-04-01. Review status: criteria provided, single submitter. Criteria: CeGaT Center For Human Genetics Tuebingen Variant Classification Criteria Version 2. Collection method: clinical testing. Allele origin: germline. Affected: yes. Observed: 1 variant allele.

GeneDx
Classification: Pathogenic. Last evaluated: 2016-02-26. Review status: criteria provided, single submitter. Criteria: GeneDx Variant Classification (06012015). Collection method: clinical testing. Allele origin: germline. Affected: yes.
Comment: The R395C missense variant in the IVD gene has been reported previously using alternative nomenclature in association with isovaleric acidemia (Lin et al., 2007; Sakamoto et al., 2015). When expressed in E. coli, R395C was found to be associated with approximately 1% residual activity compared to wild type (Mohsen et al., 1998). Therefore, we interpret R395C to be a pathogenic variant.

Baylor Genetics
Classification: Pathogenic for Isovaleryl-CoA dehydrogenase deficiency. Review status: criteria provided, single submitter. Criteria: ACMG Guidelines, 2015. Collection method: clinical testing. Allele origin: germline.

Literature cited by the submitters: PubMed 9665741 (cited by 3 submitters); PubMed 17027310 (cited by Labcorp Genetics (formerly Invitae), Labcorp and Dasa); PubMed 25220015 (cited by Labcorp Genetics (formerly Invitae), Labcorp and Dasa); PubMed 26018748 (cited by Labcorp Genetics (formerly Invitae), Labcorp and Dasa); PubMed 22960500 (cited by Labcorp Genetics (formerly Invitae), Labcorp); PubMed 27904153 (cited by Labcorp Genetics (formerly Invitae), Labcorp); PubMed 31442447 (cited by Natera, Inc.); PubMed 34671977 (cited by Natera, Inc.).